The following is an entry in ClinVar:

ClinVar aggregate classification (germline): Uncertain significance. Review status: criteria provided, multiple submitters, no conflicts (2 of 4 stars). 2 submissions from 2 submitters: Uncertain significance (2). Last evaluated 2025-01-21.

Conditions:
Inborn genetic diseases. Identifiers: MedGen C0950123, MeSH D030342.

gnomAD v4.1: 1 of 1,552,296 alleles (0.000064%); highest among the groups gnomAD compares: Non-Finnish European, 0.000087%; no homozygotes.

Submissions (2):

Ambry Genetics
Classification: Uncertain significance for Inborn genetic diseases. Last evaluated: 2025-01-21. Review status: criteria provided, single submitter. Criteria: Ambry Variant Classification Scheme 2023. Collection method: clinical testing. Allele origin: germline.

Greenwood Genetic Center Diagnostic Laboratories, Greenwood Genetic Center
Classification: Uncertain significance. Last evaluated: 2023-08-23. Review status: criteria provided, single submitter. Criteria: ACMG Guidelines, 2015. Collection method: clinical testing. Allele origin: germline. Affected: yes.
Comment: PM2

NM_014921.5(ADGRL1):c.400G>C (p.Val134Leu)

Genes: ADGRL1 (adhesion G protein-coupled receptor L1; minus strand), ADGRL1-AS1 (ADGRL1 antisense RNA 1; plus strand). Cytogenetic location: 19p13.12.
Variant type: single nucleotide variant.
Coding change: c.400G>C on transcript NM_014921.5 (MANE Select); coding-DNA position 400, G replaced by C.
Protein change: p.Val134Leu; replaces valine 134 with leucine.
Molecular consequence: missense variant.
Genome position (GRCh38, 1-based): chr19:14,163,401, C>G on the plus strand (G>C on the coding strand, the complement: ADGRL1 is on the minus strand). VCF-style: chr19-14163401-C-G. GRCh37 (hg19) VCF-style: chr19-14274213-C-G.
Other names: c.415G>C, p.Val139Leu (NM_001008701.3); c.415G>C (NM_001008701.2); short protein forms V134L, V139L.
Identifiers: ClinVar variation 2626902 (VCV002626902.2), dbSNP rs573966874, ClinGen allele CA404416267.